The following is an entry in ClinVar:

ClinVar aggregate classification (germline): Pathogenic. Review status: reviewed by expert panel (3 of 4 stars). 3 submissions from 3 submitters: Pathogenic (1). 2 of the submissions do not count toward it. Last evaluated 2016-10-18.

Conditions:
Breast-ovarian cancer, familial, susceptibility to, 2 (BROVCA2). Also called: BRCA2 Hereditary Breast and Ovarian Cancer. Identifiers: Orphanet 145, MedGen C2675520, MONDO:0012933, OMIM 612555. Disease mechanism: loss of function.

Submissions (3):

Evidence-based Network for the Interpretation of Germline Mutant Alleles (ENIGMA)
Classification: Pathogenic for Breast-ovarian cancer, familial, susceptibility to, 2. Last evaluated: 2016-10-18. Review status: reviewed by expert panel. Criteria: ENIGMA BRCA1/2 Classification Criteria (2015). Collection method: curation. Allele origin: germline.
Comment: Variant allele predicted to encode a truncated non-functional protein.

Institute of Medical Genetics and Applied Genomics, University Hospital Tübingen
Classification: Pathogenic. Last evaluated: 2020-10-23. Review status: criteria provided, single submitter. Criteria: ACMG Guidelines, 2015. Collection method: clinical testing. Allele origin: germline. Inheritance: Unknown mechanism. Affected: yes. Not counted in ClinVar's aggregate classification.

Consortium of Investigators of Modifiers of BRCA1/2 (CIMBA), c/o University of Cambridge
Classification: Pathogenic for Breast-ovarian cancer, familial, susceptibility to, 2. Last evaluated: 2015-10-02. Review status: criteria provided, single submitter. Criteria: CIMBA Mutation Classification guidelines May 2016. Collection method: clinical testing. Allele origin: germline. Not counted in ClinVar's aggregate classification.

NM_000059.4(BRCA2):c.8800del (p.Gln2934fs)

Gene: BRCA2 (BRCA2 DNA repair associated; plus strand). Cytogenetic location: 13q13.1.
Variant type: Deletion.
Coding change: c.8800del on transcript NM_000059.4 (MANE Select); coding-DNA position 8800, one base deleted (C; older notation c.8800delC).
Protein change: p.Gln2934fs; shifts the reading frame from glutamine 2934.
Molecular consequence: frameshift variant.
Genome position (GRCh38, 1-based): chr13:32,379,362, C deleted. VCF-style (leftmost placement, unchanged base first): chr13-32379361-GC-G. GRCh37 (hg19) VCF-style: chr13-32953498-GC-G.
Other names: 9028delC; short protein forms Q2934fs.
Identifiers: ClinVar variation 267108 (VCV000267108.7), dbSNP rs886040793, ClinGen allele CA10589518.